The following is an entry in ClinVar:

ClinVar aggregate classification (germline): Likely benign (1 of 4 stars; one submission).

Allele frequency attached by ClinVar (database versions not stated): TOPMed 0.00001; gnomAD 0.00001.
gnomAD v4.1: 12 of 1,607,288 alleles (0.00075%); highest among the groups gnomAD compares: Admixed American, 0.0034%; no homozygotes.

Submission:

GeneDx
Classification: Likely benign. Last evaluated: 2018-06-06. Review status: criteria provided, single submitter. Criteria: GeneDx Variant Classification (06012015). Collection method: clinical testing. Allele origin: germline. Affected: yes.
Comment: This variant is considered likely benign or benign based on one or more of the following criteria: it is a conservative change, it occurs at a poorly conserved position in the protein, it is predicted to be benign by multiple in silico algorithms, and/or has population frequency not consistent with disease.

NM_001244008.2(KIF1A):c.2582+11C>T

Gene: KIF1A (kinesin family member 1A; minus strand). Cytogenetic location: 2q37.3.
Variant type: single nucleotide variant.
Coding change: c.2582+11C>T on transcript NM_001244008.2 (MANE Select); 11 bases into the intron after coding-DNA position 2582, C replaced by T.
Molecular consequence: intron variant.
Genome position (GRCh38, 1-based): chr2:240,758,349, G>A on the plus strand (C>T on the coding strand, the complement: KIF1A is on the minus strand). VCF-style: chr2-240758349-G-A. GRCh37 (hg19) VCF-style: chr2-241697766-G-A.
Other names: c.2555+11C>T (NM_001379653.1, NM_001379650.1, NM_001379645.1 and 10 more transcripts); c.2657+11C>T (NM_001379635.1, NM_001330290.2, NM_001379646.1 and 2 more transcripts); c.2630+11C>T (NM_001379637.1, NM_001379648.1); c.2582+11C>T (NM_001320705.2, NM_001379638.1, NM_001330289.2).
Identifiers: ClinVar variation 669316 (VCV000669316.1), dbSNP rs778307088, ClinGen allele CA2208065.
Genomic context (GRCh38, chr2:240,758,349, plus strand): 5'-CCACTCCTACCCCCACTGCCATCTCTCTCTCTCAATCTCTCTCTCTGCCAAGGAAGGGAG[G>A]AGGCGCCCACCTGCCCACCAGCCGGAACCAGGGGAAGCGGTCATAGAAGGGGTCTCCGCC-3'